The following is an entry in ClinVar:

NM_001347721.2(DYRK1A):c.525G>A (p.Trp175Ter)

Gene: DYRK1A (dual specificity tyrosine phosphorylation regulated kinase 1A; plus strand). Cytogenetic location: 21q22.13.
Variant type: single nucleotide variant.
Coding change: c.525G>A on transcript NM_001347721.2 (MANE Select); coding-DNA position 525, G replaced by A.
Protein change: p.Trp175Ter; replaces tryptophan 175 with a stop codon.
Molecular consequence: nonsense.
Genome position (GRCh38, 1-based): chr21:37,486,502, G>A. VCF-style: chr21-37486502-G-A. GRCh37 (hg19) VCF-style: chr21-38858804-G-A.
Other names: c.525G>A, p.Trp175Ter (NM_001347722.2, NM_130436.2); c.438G>A, p.Trp146Ter (NM_001347723.2); c.552G>A, p.Trp184Ter (NM_001396.5, NM_101395.2, NM_130438.2); short protein forms W146*, W175*, W184*.
Identifiers: ClinVar variation 3389947 (VCV003389947.14).

ClinVar aggregate classification (germline): Pathogenic (1 of 4 stars; one submission).

Submission:

CeGaT Center for Human Genetics Tuebingen
Classification: Pathogenic. Last evaluated: 2024-10-01. Review status: criteria provided, single submitter. Criteria: CeGaT Center For Human Genetics Tuebingen Variant Classification Criteria Version 2. Collection method: clinical testing. Allele origin: germline. Affected: yes. Observed: 1 variant allele.
Comment: DYRK1A: PVS1, PM2